The following is an entry in ClinVar:

NM_001006658.3(CR2):c.635-14G>A

Gene: CR2 (complement C3d receptor 2; plus strand). Cytogenetic location: 1q32.2.
Variant type: single nucleotide variant.
Coding change: c.635-14G>A on transcript NM_001006658.3 (MANE Select); 14 bases into the intron before coding-DNA position 635, G replaced by A.
Molecular consequence: intron variant.
Genome position (GRCh38, 1-based): chr1:207,468,786, G>A. VCF-style: chr1-207468786-G-A. GRCh37 (hg19) VCF-style: chr1-207642131-G-A.
Other names: c.635-14G>A (NM_001877.5).
Identifiers: ClinVar variation 1045935 (VCV001045935.7), dbSNP rs373992562, ClinGen allele CA1368492.

ClinVar aggregate classification (germline): Uncertain significance (1 of 4 stars; one submission).

Conditions:
Immunodeficiency, common variable, 7. Identifiers: Orphanet 1572, Orphanet 696894, MedGen C3542922, MONDO:0013862, OMIM 614699.

Allele frequency attached by ClinVar (database versions not stated): ExAC 0.00002; gnomAD 0.00001; gnomAD exomes 0.00002; TOPMed 0.00003; ESP Exome Variant Server 0.00008.
gnomAD v4.1: 27 of 1,613,724 alleles (0.0017%); highest among the groups gnomAD compares: Non-Finnish European, 0.00034%; no homozygotes.

Submission:

Labcorp Genetics (formerly Invitae), Labcorp
Classification: Uncertain significance for Immunodeficiency, common variable, 7. Last evaluated: 2024-05-23. Review status: criteria provided, single submitter. Criteria: Invitae Variant Classification Sherloc (09022015). Collection method: clinical testing. Allele origin: germline.
Comment: This sequence change falls in intron 3 of the CR2 gene. It does not directly change the encoded amino acid sequence of the CR2 protein. This variant is present in population databases (rs373992562, gnomAD 0.04%). This variant has not been reported in the literature in individuals affected with CR2-related conditions. ClinVar contains an entry for this variant (Variation ID: 1045935). Algorithms developed to predict the effect of sequence changes on RNA splicing suggest that this variant may create or strengthen a splice site. In summary, the available evidence is currently insufficient to determine the role of this variant in disease. Therefore, it has been classified as a Variant of Uncertain Significance.